The following is an entry in ClinVar:

ClinVar aggregate classification (germline): Pathogenic/Likely pathogenic. Review status: criteria provided, multiple submitters, no conflicts (2 of 4 stars). 3 submissions from 3 submitters: Pathogenic (2); Likely pathogenic (1). Last evaluated 2024-01-29.

Conditions:
Familial cancer of breast. Also called: Hereditary breast cancer; BREAST CANCER, FAMILIAL; hereditary breast carcinoma. Identifiers: Orphanet 227535, MedGen C0346153, MONDO:0016419, OMIM 114480. Disease mechanism: loss of function.
Hereditary cancer-predisposing syndrome. Also called: Tumor predisposition; Hereditary neoplastic syndrome; Neoplastic Syndromes, Hereditary; Hereditary Cancer Syndrome. Identifiers: Orphanet 140162, MedGen C0027672, MeSH D009386, MONDO:0015356.

Allele frequency attached by ClinVar (database versions not stated): gnomAD exomes below 0.00001.

Submissions (3):

Ambry Genetics
Classification: Pathogenic for Hereditary cancer-predisposing syndrome. Last evaluated: 2024-01-29. Review status: criteria provided, single submitter. Criteria: Ambry Variant Classification Scheme 2023. Collection method: clinical testing. Allele origin: germline.
Comment: The c.700_712del13 pathogenic mutation, located in coding exon 5 of the CHEK2 gene, results from a deletion of 13 nucleotides at nucleotide positions 700 to 712, causing a translational frameshift with a predicted alternate stop codon (p.V234Sfs*9). This alteration is expected to result in loss of function by premature protein truncation or nonsense-mediated mRNA decay. As such, this alteration is interpreted as a disease-causing mutation.

Baylor Genetics
Classification: Likely pathogenic for Familial cancer of breast. Last evaluated: 2024-01-22. Review status: criteria provided, single submitter. Criteria: ACMG Guidelines, 2015. Collection method: clinical testing. Allele origin: unknown.

Myriad Genetics, Inc.
Classification: Pathogenic for Familial cancer of breast. Last evaluated: 2023-06-26. Review status: criteria provided, single submitter. Criteria: Myriad Autosomal Dominant, Autosomal Recessive and X-Linked Classification Criteria (2023). Collection method: clinical testing. Allele origin: unknown.
Comment: This variant is considered pathogenic. This variant creates a frameshift predicted to result in premature protein truncation.

NM_007194.4(CHEK2):c.700_712del (p.Val234fs)

Gene: CHEK2 (checkpoint kinase 2; minus strand). Cytogenetic location: 22q12.1.
Variant type: Deletion.
Coding change: c.700_712del on transcript NM_007194.4 (MANE Select); coding-DNA positions 700 to 712, 13 bases deleted (GTAAAGCTGGCTT).
Protein change: p.Val234fs; shifts the reading frame from valine 234.
Molecular consequence: frameshift variant.
Genome position (GRCh38, 1-based): chr22:28,711,989-28,712,001, AAGCCAGCTTTAC deleted on the plus strand (GTAAAGCTGGCTT on the coding strand, the reverse complement: CHEK2 is on the minus strand). VCF-style (leftmost placement, unchanged base first): chr22-28711988-AAAGCCAGCTTTAC-A. GRCh37 (hg19) VCF-style: chr22-29107976-AAAGCCAGCTTTAC-A.
Other names: c.700_712del13 (NM_007194.3); c.829_841delGTAAAGCTGGCTT, p.Val277Serfs (NM_001005735.3); c.37_49delGTAAAGCTGGCTT, p.Val13Serfs (NM_001257387.3); c.499_511delGTAAAGCTGGCTT, p.Val167Serfs (NM_001349956.3); c.700_712delGTAAAGCTGGCTT, p.Val234Serfs (NM_145862.3); short protein forms V13fs, V167fs, V234fs, V277fs.
Identifiers: ClinVar variation 2583646 (VCV002583646.5), dbSNP rs2517962830, ClinGen allele CA2582342777.
Genomic context (GRCh38, chr22:28,711,988, plus strand): 5'-ATAGCAAACTTCCTTTTGCTGATGATCTTTATGGCTACTTTCTTACATGTTTTCCTCTCG[AAAGCCAGCTTTAC>A]CTCTCCACAGGCACCACTAGAGGGAAAAACAAAGATAGTGATTGTCTGAATGTTTTTAAT-3'